The following is an entry in ClinVar:

NM_001005242.3(PKP2):c.419C>T (p.Ser140Phe)

Gene: PKP2 (plakophilin 2; minus strand). Cytogenetic location: 12p11.21.
Variant type: single nucleotide variant.
Coding change: c.419C>T on transcript NM_001005242.3 (MANE Select); coding-DNA position 419, C replaced by T.
Protein change: p.Ser140Phe; replaces serine 140 with phenylalanine.
Molecular consequence: missense variant.
Genome position (GRCh38, 1-based): chr12:32,878,461, G>A on the plus strand (C>T on the coding strand, the complement: PKP2 is on the minus strand). VCF-style: chr12-32878461-G-A. GRCh37 (hg19) VCF-style: chr12-33031395-G-A.
Other names: p.S140F:TCC>TTC; c.419C>T, p.Ser140Phe (NM_004572.4); short protein forms S140F.
Identifiers: ClinVar variation 45077 (VCV000045077.85), dbSNP rs150821281, ClinGen allele CA010672.
Genomic context (GRCh38, chr12:32,878,461, plus strand): 5'-TGAGCCCTCTCCGGGCTGCTGTCAGGAGAAATCTCCAGTCTCCTCAGAGGATGCCTCAAG[G>A]ACCTTTCTTCCACGGACTTCTGGGAGCTGTACTGTGCTGTTCCTCTTCCCCAGCGACCTT-3'
Protein context (NP_001005242.2, residues 130-150): YSSQKSVEER[Ser140Phe]LRHPLRRLEI

ClinVar aggregate classification (germline): Conflicting classifications of pathogenicity. Review status: criteria provided, conflicting classifications (1 of 4 stars). 24 submissions from 23 submitters: Uncertain significance (4); Benign (1); Likely benign (14). 5 of the submissions do not count toward it. Last evaluated 2026-08-01.

Conditions:
Cardiovascular phenotype. Identifiers: MedGen CN230736.
Arrhythmogenic right ventricular cardiomyopathy (ARVD). Also called: Arrhythmogenic Right Ventricular Cardiomyopathy (ARVC); Cardiomyopathy, ARVC; Arrhythmogenic right ventricular dysplasia; Arrhythmogenic cardiomyopathy. Identifiers: Orphanet 247, MedGen C0349788, MeSH D019571, MONDO:0016587. Disease mechanism: loss of function. Inheritance: Various modes of inheritance.
Cardiomyopathy (CMYO). Also called: Cardiomyopathies. Identifiers: Orphanet 167848, MedGen C0878544, MONDO:0004994, HP:0001638. Inheritance: Various modes of inheritance.
Arrhythmogenic right ventricular dysplasia 9 (ARVD9). Also called: Arrhythmogenic Right Ventricular Dysplasia/Cardiomyopathy 9; ARRHYTHMOGENIC RIGHT VENTRICULAR DYSPLASIA, FAMILIAL, 9. Identifiers: MedGen C1836906, MONDO:0012180, OMIM 609040.

Allele frequency attached by ClinVar (database versions not stated): gnomAD exomes 0.00233 and 0.00362; gnomAD 0.00243 and 0.00252; 1000 Genomes Project 0.00120; 1000 Genomes Project 30x 0.00094; ExAC 0.00232; ESP Exome Variant Server 0.00200; TOPMed 0.00211.
gnomAD v4.1: 5,650 of 1,614,122 alleles (0.35%); highest among the groups gnomAD compares: Non-Finnish European, 0.43%; 12 homozygotes.

Submissions (24):

CeGaT Center for Human Genetics Tuebingen
Classification: Likely benign. Last evaluated: 2026-08-01. Review status: criteria provided, single submitter. Criteria: CeGaT Center For Human Genetics Tuebingen Variant Classification Criteria Version 2. Collection method: clinical testing. Allele origin: germline. Affected: yes. Observed: 14 variant alleles.
Comment: PKP2: BP4, BS1

Labcorp Genetics (formerly Invitae), Labcorp
Classification: Likely benign for Arrhythmogenic right ventricular dysplasia 9. Last evaluated: 2026-02-03. Review status: criteria provided, single submitter. Criteria: Invitae Variant Classification Sherloc (09022015). Collection method: clinical testing. Allele origin: germline.

Mayo Clinic Laboratories, Mayo Clinic
Classification: Likely benign. Last evaluated: 2025-11-21. Review status: criteria provided, single submitter. Criteria: ACMG Guidelines, 2015. Collection method: clinical testing. Allele origin: germline. Observed: 6 variant alleles.
Comment: BS1

ARUP Laboratories, Molecular Genetics and Genomics, ARUP Laboratories
Classification: Likely benign for Arrhythmogenic right ventricular dysplasia 9. Last evaluated: 2025-01-29. Review status: criteria provided, single submitter. Criteria: ARUP Molecular Germline Variant Investigation Process 2024. Collection method: clinical testing. Allele origin: germline.

Blueprint Genetics
Classification: Likely benign. Last evaluated: 2024-11-26. Review status: criteria provided, single submitter. Criteria: ACMG Guidelines, 2015. Collection method: clinical testing. Allele origin: germline.

All of Us Research Program, National Institutes of Health
Classification: Likely benign for Arrhythmogenic right ventricular cardiomyopathy. Last evaluated: 2024-09-27. Review status: criteria provided, single submitter. Criteria: ACMG Guidelines, 2015. Collection method: clinical testing. Allele origin: germline. Inheritance: Autosomal dominant inheritance. Observed: 818 variant alleles, 815 heterozygotes, 3 homozygotes.
Comment: This study involves interpretation of variants in research participants for the purpose of population health screening. Participant phenotype was not available at the time of variant classification. Additional details can be found in publication PMID: 35346344, PMCID: PMC8962531

GeneDx
Classification: Likely benign. Last evaluated: 2021-02-08. Review status: criteria provided, single submitter. Criteria: GeneDx Variant Classification Process June 2021. Collection method: clinical testing. Allele origin: germline. Affected: yes.
Comment: In silico analysis supports that this missense variant does not alter protein structure/function; This variant is associated with the following publications: (PMID: 25637381, 26681313, 26264440, 15489853, 19095136, 20400443, 19955750, 21859740, 24055113, 23299917, 21606390, 20716751, 20857253, 19358943, 20031617, 17556197, 16549640, 16415378, 20152563, 18508782, 25016126, 26332594, 19569224, 25910212, 25569433, 27153395, 23270881, 26383259, 31402444)

CHEO Genetics Diagnostic Laboratory, Children's Hospital of Eastern Ontario
Classification: Benign for Cardiomyopathy. Last evaluated: 2019-11-20. Review status: criteria provided, single submitter. Criteria: ACMG Guidelines, 2015. Collection method: clinical testing. Allele origin: germline. Study: Canadian Open Genetics Repository.

Ambry Genetics
Classification: Likely benign for Cardiovascular phenotype. Last evaluated: 2018-11-09. Review status: criteria provided, single submitter. Criteria: Ambry Variant Classification Scheme 2023. Collection method: clinical testing. Allele origin: germline.

Center for Advanced Laboratory Medicine, UC San Diego Health, University of California San Diego
Classification: Likely benign for Cardiomyopathy. Last evaluated: 2018-06-26. Review status: criteria provided, single submitter. Criteria: ACMG Guidelines, 2015. Collection method: clinical testing. Allele origin: germline. Affected: yes. Observed: 1 variant allele.

Color Diagnostics, LLC DBA Color Health
Classification: Likely benign for Cardiomyopathy. Last evaluated: 2018-03-13. Review status: criteria provided, single submitter. Criteria: ACMG Guidelines, 2015. Collection method: clinical testing. Allele origin: germline.

Illumina Laboratory Services, Illumina
Classification: Uncertain significance for Arrhythmogenic right ventricular dysplasia 9. Last evaluated: 2018-03-12. Review status: criteria provided, single submitter. Criteria: ICSL Variant Classification Criteria 13 December 2019. Collection method: clinical testing. Allele origin: germline.
Comment: This variant was observed as part of a predisposition screen in an ostensibly healthy population. A literature search was performed for the gene, cDNA change, and amino acid change (where applicable). Publications were found based on this search. However, the evidence from the literature, in combination with allele frequency data from public databases where available, was not sufficient to rule this variant in or out of causing disease. Therefore, this variant is classified as a variant of unknown significance.

Molecular Diagnostic Laboratory for Inherited Cardiovascular Disease, Montreal Heart Institute
Classification: Likely benign. Last evaluated: 2017-05-03. Review status: criteria provided, single submitter. Criteria: ACMG Guidelines, 2015. Collection method: clinical testing. Allele origin: germline. Affected: yes.

Genome Diagnostics Laboratory, University Medical Center Utrecht
Classification: Likely benign for Arrhythmogenic right ventricular dysplasia 9. Last evaluated: 2016-03-09. Review status: criteria provided, single submitter. Criteria: ACGS Guidelines, 2013. Collection method: clinical testing. Allele origin: germline. Affected: yes. Study: VKGL Data-share Consensus.

Clinical Genetics DNA and cytogenetics Diagnostics Lab, Erasmus MC, Erasmus Medical Center
Classification: Uncertain significance for Arrhythmogenic right ventricular dysplasia 9. Last evaluated: 2015-09-21. Review status: criteria provided, single submitter. Criteria: ACGS Guidelines, 2013. Collection method: clinical testing. Allele origin: germline. Affected: yes. Study: VKGL Data-share Consensus.

Laboratory for Molecular Medicine, Mass General Brigham Personalized Medicine
Classification: Likely benign. Last evaluated: 2015-06-30. Review status: criteria provided, single submitter. Criteria: LMM Criteria. Collection method: clinical testing. Allele origin: germline. Observed: 7 variant alleles.
Comment: p.Ser140Phe in exon 3 of PKP2: This variant is not expected to have clinical sig nificance because it has been identified in 0.3% (219/66346) of European chromos omes by the Exome Aggregation Consortium (ExAC; dbSNP rs150821281).

Eurofins Ntd Llc (ga)
Classification: Uncertain significance. Last evaluated: 2015-01-12. Review status: criteria provided, single submitter. Criteria: EGL Classification Definitions 2015. Collection method: clinical testing. Allele origin: germline. Observed: 1 variant allele, 1 heterozygote.

CSER _CC_NCGL, University of Washington
Classification: Uncertain significance for Arrhythmogenic right ventricular dysplasia. Last evaluated: 2014-06-01. Review status: criteria provided, single submitter. Criteria: Amendola et al. (Genome Res. 2015). Collection method: research. Allele origin: germline. Inheritance: Autosomal dominant inheritance. Study: ESP 6500 variant annotation.
Comment: Allele frequency may indicate a low penetrance or likely benign variant

Variants classified for the Actionable exomic incidental findings in 6503 participants: challenges of variant classification manuscript

Biesecker Lab/Clinical Genomics Section, National Institutes of Health
Classification: Likely benign for Arrhythmogenic right ventricular dysplasia. Last evaluated: 2013-06-24. Review status: criteria provided, single submitter. Criteria: Ng et al. (Circ Cardiovasc Genet. 2013). Collection method: research. Allele origin: unknown. Observed: 5 variant alleles. Study: ClinSeq.
Comment: The study set was not selected for affection status in relation to any cancer. Pathogenicity categories were based on literature curation. See Pubmed ID:23861362 for details.

Medical sequencing

Cohesion Phenomics
Classification: Likely benign for Cardiomyopathy. Last evaluated: 2022-09-23. Review status: no assertion criteria provided. Criteria: ACMG Guidelines, 2015. Collection method: clinical testing. Allele origin: germline. Affected: yes. Not counted in ClinVar's aggregate classification.

Clinical Genetics DNA and cytogenetics Diagnostics Lab, Erasmus MC, Erasmus Medical Center
Classification: Likely benign. Review status: no assertion criteria provided. Collection method: clinical testing. Allele origin: germline. Affected: yes. Study: VKGL Data-share Consensus. Not counted in ClinVar's aggregate classification.

Clinical Genetics, Academic Medical Center
Classification: Benign. Review status: no assertion criteria provided. Collection method: clinical testing. Allele origin: germline. Affected: yes. Study: VKGL Data-share Consensus. Not counted in ClinVar's aggregate classification.

Diagnostic Laboratory, Department of Genetics, University Medical Center Groningen
Classification: Likely benign for Arrhythmogenic right ventricular dysplasia 9. Review status: no assertion criteria provided. Collection method: clinical testing. Allele origin: germline. Affected: yes. Study: VKGL Data-share Consensus. Not counted in ClinVar's aggregate classification.

Joint Genome Diagnostic Labs from Nijmegen and Maastricht, Radboudumc and MUMC+
Classification: Benign. Review status: no assertion criteria provided. Collection method: clinical testing. Allele origin: germline. Affected: yes. Study: VKGL Data-share Consensus. Not counted in ClinVar's aggregate classification.

Literature cited by the submitters: PubMed 15489853 (cited by 4 submitters); PubMed 19095136 (cited by Mayo Clinic Laboratories, Mayo Clinic and Eurofins Ntd Llc (ga)); PubMed 19955750 (cited by 4 submitters); PubMed 21859740 (cited by Mayo Clinic Laboratories, Mayo Clinic and Laboratory for Molecular Medicine, Mass General Brigham Personalized Medicine); PubMed 23270881 (cited by 3 submitters); PubMed 26332594 (cited by Mayo Clinic Laboratories, Mayo Clinic); PubMed 31402444 (cited by Mayo Clinic Laboratories, Mayo Clinic); PubMed 36129056 (cited by Mayo Clinic Laboratories, Mayo Clinic); PubMed 20152563 (cited by 3 submitters); PubMed 20400443 (cited by 3 submitters); PubMed 20716751 (cited by Illumina Laboratory Services, Illumina and Laboratory for Molecular Medicine, Mass General Brigham Personalized Medicine); PubMed 21606390 (cited by Illumina Laboratory Services, Illumina and Laboratory for Molecular Medicine, Mass General Brigham Personalized Medicine); PubMed 20031617 (cited by Illumina Laboratory Services, Illumina); PubMed 17372169 (cited by Illumina Laboratory Services, Illumina); PubMed 16549640 (cited by Laboratory for Molecular Medicine, Mass General Brigham Personalized Medicine); PubMed 16415378 (cited by Laboratory for Molecular Medicine, Mass General Brigham Personalized Medicine); PubMed 17556197 (cited by Laboratory for Molecular Medicine, Mass General Brigham Personalized Medicine); PubMed 19358943 (cited by Laboratory for Molecular Medicine, Mass General Brigham Personalized Medicine); PubMed 20864495 (cited by Laboratory for Molecular Medicine, Mass General Brigham Personalized Medicine); PubMed 20857253 (cited by Laboratory for Molecular Medicine, Mass General Brigham Personalized Medicine); PubMed 24055113 (cited by Laboratory for Molecular Medicine, Mass General Brigham Personalized Medicine); PubMed 23299917 (cited by Laboratory for Molecular Medicine, Mass General Brigham Personalized Medicine).